The following is an entry in ClinVar:

NM_001193315.2(VIPAS39):c.272G>A (p.Arg91Gln)

Gene: VIPAS39 (VPS33B interacting protein, apical-basolateral polarity regulator, spe-39 homolog; minus strand). Cytogenetic location: 14q24.3.
Variant type: single nucleotide variant.
Coding change: c.272G>A on transcript NM_001193315.2 (MANE Select); coding-DNA position 272, G replaced by A.
Protein change: p.Arg91Gln; replaces arginine 91 with glutamine.
Molecular consequence: missense variant. On other transcripts: intron variant (1).
Genome position (GRCh38, 1-based): chr14:77,451,258, C>T on the plus strand (G>A on the coding strand, the complement: VIPAS39 is on the minus strand). VCF-style: chr14-77451258-C-T. GRCh37 (hg19) VCF-style: chr14-77917601-C-T.
Other names: p.Arg91Gln; c.272G>A, p.Arg91Gln (NM_001193314.2, NM_001193317.2, NM_022067.4); c.197-1506G>A (NM_001193316.2); short protein forms R91Q.
Identifiers: ClinVar variation 286648 (VCV000286648.9), dbSNP rs188151618, ClinGen allele CA7288148.

ClinVar aggregate classification (germline): Uncertain significance. Review status: criteria provided, multiple submitters, no conflicts (2 of 4 stars). 4 submissions from 4 submitters: Uncertain significance (4). Last evaluated 2024-11-20.

Allele frequency attached by ClinVar (database versions not stated): gnomAD 0.00003 and 0.00005; TOPMed 0.00005; ExAC 0.00007; gnomAD exomes 0.00010; 1000 Genomes Project 0.00040; 1000 Genomes Project 30x 0.00047.
gnomAD v4.1: 151 of 1,614,182 alleles (0.0094%); highest among the groups gnomAD compares: Middle Eastern, 0.082%; 1 homozygote.

Submissions (4):

Blueprint Genetics
Classification: Uncertain significance. Last evaluated: 2024-11-20. Review status: criteria provided, single submitter. Criteria: ACMG Guidelines, 2015. Collection method: clinical testing. Allele origin: germline.

Mayo Clinic Laboratories, Mayo Clinic
Classification: Uncertain significance. Last evaluated: 2023-12-15. Review status: criteria provided, single submitter. Criteria: ACMG Guidelines, 2015. Collection method: clinical testing. Allele origin: germline. Observed: 1 variant allele.
Comment: BP4

Labcorp Genetics (formerly Invitae), Labcorp
Classification: Uncertain significance. Last evaluated: 2022-04-01. Review status: criteria provided, single submitter. Criteria: Invitae Variant Classification Sherloc (09022015). Collection method: clinical testing. Allele origin: germline.
Comment: In summary, the available evidence is currently insufficient to determine the role of this variant in disease. Therefore, it has been classified as a Variant of Uncertain Significance. Algorithms developed to predict the effect of missense changes on protein structure and function (SIFT, PolyPhen-2, Align-GVGD) all suggest that this variant is likely to be tolerated. ClinVar contains an entry for this variant (Variation ID: 286648). This variant has not been reported in the literature in individuals affected with VIPAS39-related conditions. This variant is present in population databases (rs188151618, gnomAD 0.02%). This sequence change replaces arginine, which is basic and polar, with glutamine, which is neutral and polar, at codon 91 of the VIPAS39 protein (p.Arg91Gln).

Eurofins Ntd Llc (ga)
Classification: Uncertain significance. Last evaluated: 2016-03-14. Review status: criteria provided, single submitter. Criteria: EGL Classification Definitions 2015. Collection method: clinical testing. Allele origin: germline. Observed: 1 variant allele, 1 heterozygote.